The following is an entry in ClinVar:

NM_000552.5(VWF):c.3320A>G (p.Tyr1107Cys)

Gene: VWF (von Willebrand factor; minus strand). Cytogenetic location: 12p13.31.
Variant type: single nucleotide variant.
Coding change: c.3320A>G on transcript NM_000552.5 (MANE Select); coding-DNA position 3320, A replaced by G.
Protein change: p.Tyr1107Cys; replaces tyrosine 1107 with cysteine.
Molecular consequence: missense variant.
Genome position (GRCh38, 1-based): chr12:6,023,690, T>C on the plus strand (A>G on the coding strand, the complement: VWF is on the minus strand). VCF-style: chr12-6023690-T-C. GRCh37 (hg19) VCF-style: chr12-6132856-T-C.
Other names: short protein forms Y1107C.
Identifiers: ClinVar variation 100254 (VCV000100254.11), dbSNP rs267607319, ClinGen allele CA228392.

ClinVar aggregate classification (germline): Uncertain significance. Review status: criteria provided, multiple submitters, no conflicts (2 of 4 stars). 4 submissions from 4 submitters: Uncertain significance (2). 2 of the submissions do not count toward it. Last evaluated 2023-12-22.

Conditions:
von Willebrand disease type 2 (VWD2). Also called: VON WILLEBRAND DISEASE, TYPE 2A/IIE; VON WILLEBRAND DISEASE, TYPE 2CB; VON WILLEBRAND DISEASE, TYPE II; VWD, TYPE 2. Identifiers: Orphanet 166081, Orphanet 903, MedGen C1264040, MONDO:0013304, OMIM 613554.

Allele frequency attached by ClinVar (database versions not stated): gnomAD 0.00001.
gnomAD v4.1: 1 of 1,613,828 alleles (0.000062%); highest among the groups gnomAD compares: African/African-American, 0.0013%; no homozygotes.

Submissions (4):

Women's Health and Genetics/Laboratory Corporation of America, LabCorp
Classification: Uncertain significance. Last evaluated: 2023-12-22. Review status: criteria provided, single submitter. Criteria: LabCorp Variant Classification Summary - May 2015. Collection method: clinical testing. Allele origin: germline.
Comment: Variant summary: VWF c.3320A>G (p.Tyr1107Cys) results in a non-conservative amino acid change located in the VWF/SSPO/Zonadhesin-like, cysteine-rich domain (IPR014853) of the encoded protein sequence. Five of five in-silico tools predict a damaging effect of the variant on protein function. The variant was absent in 246782 control chromosomes. The available data on variant occurrences in the general population are insufficient to allow any conclusion about variant significance. These data do not allow any conclusion about variant significance. To our knowledge, no experimental evidence demonstrating an impact on protein function has been reported. The following publications have been ascertained in the context of this evaluation (PMID: 19506361, 27292226, 26986123). Two submitters have cited clinical-significance assessments for this variant to ClinVar after 2014. Both submitters classified the variant as uncertain significance. Based on the evidence outlined above, the variant was classified as uncertain significance.

ARUP Laboratories, Molecular Genetics and Genomics, ARUP Laboratories
Classification: Uncertain significance. Last evaluated: 2020-03-11. Review status: criteria provided, single submitter. Criteria: ARUP Molecular Germline Variant Investigation Process. Collection method: clinical testing. Allele origin: germline.
Comment: The VWF c.3320A>G; p.Tyr1107Cys variant (rs267607319) is reported in the literature in individuals affected with von Willebrand disease type 1, type 2, or type unspecified (Gadisseur 2009, Ott 2016, Veyradier 2016). This variant is also reported in ClinVar (Variation ID: 100254), but is absent from general population databases (Exome Variant Server, Genome Aggregation Database), indicating it is not a common polymorphism. The tyrosine at codon 1107 is highly conserved, and computational analyses (SIFT, PolyPhen-2) predict that this variant is deleterious. Due to limited information, the clinical significance of the p.Tyr1107Cys variant is uncertain at this time. References: Gadisseur A et al. Laboratory diagnosis of von Willebrand disease type 1/2E (2A subtype IIE), type 1 Vicenza and mild type 1 caused by mutations in the D3, D4, B1-B3 and C1-C2 domains of the von Willebrand factor gene. Role of von Willebrand factor multimers and the von Willebrand factor propeptide/antigen ratio. Acta Haematol. 2009;121(2-3):128-38. Ott HW et al. Identification of von Willebrand disease type 1 in a patient with Ehlers-Danlos syndrome classic type. Haemophilia. 2016 Jul;22(4):e309-11. Veyradier A et al. A Laboratory Phenotype/Genotype Correlation of 1167 French Patients From 670 Families With von Willebrand Disease: A New Epidemiologic Picture. Medicine (Baltimore). 2016 Mar;95(11):e3038.

Angelo Bianchi Bonomi Hemophilia and Thrombosis Center, Fondazione IRCCS Ca Granda Ospedale Maggiore Policlinico
Classification: Uncertain significance for von Willebrand disease type 2. Last evaluated: 2022-04-26. Review status: no assertion criteria provided. Collection method: clinical testing. Allele origin: germline. Affected: yes. Not counted in ClinVar's aggregate classification.

Academic Unit of Haematology, University of Sheffield
No classification provided. Review status: no classification provided. Collection method: not provided. Allele origin: not provided. Not counted in ClinVar's aggregate classification.

Literature cited by the submitters: PubMed 26986123 (cited by Women's Health and Genetics/Laboratory Corporation of America, LabCorp); PubMed 19506361 (cited by Women's Health and Genetics/Laboratory Corporation of America, LabCorp); PubMed 27292226 (cited by Women's Health and Genetics/Laboratory Corporation of America, LabCorp).